The following is an entry in ClinVar:

NM_001077350.3(NPRL3):c.179dup (p.Asp61fs)

Genes: HBA-LCR (alpha-globin locus control region; plus strand), NPRL3 (NPR3 like, GATOR1 complex subunit; minus strand). Cytogenetic location: 16p13.3.
Variant type: Duplication.
Coding change: c.179dup on transcript NM_001077350.3 (MANE Select); coding-DNA position 179, one base duplicated (G; older notation c.179dupG).
Protein change: p.Asp61fs; shifts the reading frame from aspartic acid 61.
Molecular consequence: frameshift variant. On other transcripts: 5 prime UTR variant (2).
Genome position (GRCh38, 1-based): chr16:130,531, C duplicated on the plus strand (G on the coding strand, the reverse complement: NPRL3 is on the minus strand); the first of 2 consecutive C bases (chr16:130,531-130,532); duplicating either gives the same sequence. VCF-style (leftmost placement, unchanged base first): chr16-130530-G-GC. GRCh37 (hg19) VCF-style: chr16-180529-G-GC.
Other names: c.179dup, p.Asp61fs (NM_001243249.2, NM_001243248.2); c.-154dup (NM_001039476.3); c.-193dup (NM_001243247.2); short protein forms D61fs.
Identifiers: ClinVar variation 4875370 (VCV004875370.2).

ClinVar aggregate classification (germline): Pathogenic (1 of 4 stars; one submission).

Submission:

CeGaT Center for Human Genetics Tuebingen
Classification: Pathogenic. Last evaluated: 2026-06-01. Review status: criteria provided, single submitter. Criteria: CeGaT Center For Human Genetics Tuebingen Variant Classification Criteria Version 2. Collection method: clinical testing. Allele origin: germline. Affected: yes. Observed: 1 variant allele.
Comment: NPRL3: PVS1, PM2